The following is an entry in ClinVar:

ClinVar aggregate classification (germline): Likely pathogenic (1 of 4 stars; one submission).

Allele frequency attached by ClinVar (database versions not stated): gnomAD exomes below 0.00001; gnomAD 0.00001; TOPMed 0.00002.
gnomAD v4.1: 3 of 1,613,648 alleles (0.00019%); highest among the groups gnomAD compares: Non-Finnish European, 0.00025%; no homozygotes.

Submission:

Labcorp Genetics (formerly Invitae), Labcorp
Classification: Likely pathogenic. Last evaluated: 2024-08-29. Review status: criteria provided, single submitter. Criteria: Invitae Variant Classification Sherloc (09022015). Collection method: clinical testing. Allele origin: germline.
Comment: This sequence change affects a donor splice site in intron 4 of the C2 gene. It is expected to disrupt RNA splicing. Variants that disrupt the donor or acceptor splice site typically lead to a loss of protein function (PMID: 16199547), and loss-of-function variants in C2 are known to be pathogenic (PMID: 1577763, 9616367). This variant is present in population databases (no rsID available, gnomAD 0.0009%). This variant has not been reported in the literature in individuals affected with C2-related conditions. ClinVar contains an entry for this variant (Variation ID: 2179104). Algorithms developed to predict the effect of sequence changes on RNA splicing suggest that this variant may disrupt the consensus splice site. In summary, the currently available evidence indicates that the variant is pathogenic, but additional data are needed to prove that conclusively. Therefore, this variant has been classified as Likely Pathogenic.

Literature cited by the submitters: PubMed 16199547; PubMed 1577763; PubMed 9616367.

NM_000063.6(C2):c.616+2T>G

Gene: C2 (complement C2; plus strand). Cytogenetic location: 6p21.33.
Variant type: single nucleotide variant.
Coding change: c.616+2T>G on transcript NM_000063.6 (MANE Select); the canonical splice donor site of the intron after coding-DNA position 616, T replaced by G.
Molecular consequence: splice donor variant.
Genome position (GRCh38, 1-based): chr6:31,933,785, T>G. VCF-style: chr6-31933785-T-G. GRCh37 (hg19) VCF-style: chr6-31901562-T-G.
Other names: c.111+2T>G (NM_001282457.2); c.247+2T>G (NM_001178063.3); c.529+2T>G (NM_001282458.2); c.220+2T>G (NM_001145903.3); c.616+2T>G (NM_001282459.2).
Identifiers: ClinVar variation 2179104 (VCV002179104.4), dbSNP rs903329492, ClinGen allele CA136929091.